The following is an entry in ClinVar:

ClinVar aggregate classification (germline): Uncertain significance (1 of 4 stars; one submission).

gnomAD v4.1: 14 of 1,613,170 alleles (0.00087%); highest among the groups gnomAD compares: Admixed American, 0.022%; no homozygotes.

Submission:

Ambry Genetics
Classification: Uncertain significance. Last evaluated: 2026-09-01. Review status: criteria provided, single submitter. Criteria: Ambry Variant Classification Scheme 2023. Collection method: clinical testing. Allele origin: germline.
Comment: The c.1017C>G (p.D339E) alteration is located in exon 8 (coding exon 8) of the ZFYVE28 gene. This alteration results from a C to G substitution at nucleotide position 1017, causing the aspartic acid (D) at amino acid position 339 to be replaced by a glutamic acid (E). Based on data from gnomAD, the G allele has an overall frequency of 0.006% (14/250196) total alleles studied. The highest observed frequency was 0.038% (13/34572) of Latino alleles. Based on insufficient or conflicting evidence, the clinical significance of this alteration remains unclear.

NM_020972.3(ZFYVE28):c.1017C>G (p.Asp339Glu)

Gene: ZFYVE28 (zinc finger FYVE-type containing 28; minus strand). Cytogenetic location: 4p16.3.
Variant type: single nucleotide variant.
Coding change: c.1017C>G on transcript NM_020972.3 (MANE Select); coding-DNA position 1017, C replaced by G.
Protein change: p.Asp339Glu; replaces aspartic acid 339 with glutamic acid.
Molecular consequence: missense variant.
Genome position (GRCh38, 1-based): chr4:2,305,323, G>C on the plus strand (C>G on the coding strand, the complement: ZFYVE28 is on the minus strand). VCF-style: chr4-2305323-G-C. GRCh37 (hg19) VCF-style: chr4-2307050-G-C.
Other names: c.927C>G, p.Asp309Glu (NM_001172656.2); c.807C>G, p.Asp269Glu (NM_001172659.2); short protein forms D339E, D309E, D269E.
Identifiers: ClinVar variation 5032131 (VCV005032131.1).